The following is an entry in ClinVar:

ClinVar aggregate classification (germline): Pathogenic (1 of 4 stars; one submission).

Conditions:
Familial adenomatous polyposis 1 (FAP1). Also called: POLYPOSIS, ADENOMATOUS INTESTINAL; FAMILIAL ADENOMATOUS POLYPOSIS 1, ATTENUATED. Identifiers: MedGen C2713442, MONDO:0021056, OMIM 175100. Disease mechanism: loss of function.

Submission:

Myriad Genetics, Inc.
Classification: Pathogenic for Familial adenomatous polyposis 1. Last evaluated: 2023-05-04. Review status: criteria provided, single submitter. Criteria: Myriad Autosomal Dominant, Autosomal Recessive and X-Linked Classification Criteria (2023). Collection method: clinical testing. Allele origin: unknown.
Comment: This variant is considered pathogenic. This variant creates a frameshift predicted to result in premature protein truncation.

NM_000038.6(APC):c.2438del (p.Asn813fs)

Gene: APC (APC regulator of Wnt signaling pathway; plus strand). Cytogenetic location: 5q22.2.
Variant type: Deletion.
Coding change: c.2438del on transcript NM_000038.6 (MANE Select); coding-DNA position 2438, one base deleted (A; older notation c.2438delA).
Protein change: p.Asn813fs; shifts the reading frame from asparagine 813.
Molecular consequence: frameshift variant. On other transcripts: non-coding transcript variant (2).
Genome position (GRCh38, 1-based): chr5:112,838,032, A deleted; the last of 2 consecutive A bases (chr5:112,838,031-112,838,032); deleting either gives the same sequence. VCF-style (leftmost placement, unchanged base first): chr5-112838030-CA-C. GRCh37 (hg19) VCF-style: chr5-112173727-CA-C.
Other names: c.2438del, p.Asn813fs (NM_001127510.3, NM_001354895.2, NM_001407450.1); c.2384del, p.Asn795fs (NM_001127511.3); c.2492del, p.Asn831fs (NM_001354896.2, NM_001407447.1, NM_001407448.1 and 1 more transcripts); c.2468del, p.Asn823fs (NM_001354897.2); c.2363del, p.Asn788fs (NM_001354898.2); c.2354del, p.Asn785fs (NM_001354899.2); c.2315del, p.Asn772fs (NM_001354900.2); c.2261del, p.Asn754fs (NM_001354901.2, NM_001407453.1); and 11 more; short protein forms N429fs, N530fs, N653fs, N684fs, N687fs, N712fs, N722fs, N730fs.
Identifiers: ClinVar variation 2583703 (VCV002583703.2), dbSNP rs2533421655, ClinGen allele CA2582341466.